The following is an entry in ClinVar:

ClinVar aggregate classification (germline): Uncertain significance. Review status: criteria provided, multiple submitters, no conflicts (2 of 4 stars). 2 submissions from 2 submitters: Uncertain significance (2). Last evaluated 2025-05-15.

Conditions:
EGFR-related lung cancer (EGFR). Identifiers: MedGen CN130014.
Hereditary cancer-predisposing syndrome. Also called: Tumor predisposition; Neoplastic Syndromes, Hereditary; Hereditary Cancer Syndrome; Hereditary neoplastic syndrome. Identifiers: Orphanet 140162, MedGen C0027672, MeSH D009386, MONDO:0015356.

Submissions (2):

Ambry Genetics
Classification: Uncertain significance for Hereditary cancer-predisposing syndrome. Last evaluated: 2025-05-15. Review status: criteria provided, single submitter. Criteria: Ambry Variant Classification Scheme 2023. Collection method: clinical testing. Allele origin: germline.
Comment: The p.H850Q variant (also known as c.2550T>G), located in coding exon 21 of the EGFR gene, results from a T to G substitution at nucleotide position 2550. The histidine at codon 850 is replaced by glutamine, an amino acid with highly similar properties. This amino acid position is conserved. In addition, the in silico prediction for this alteration is inconclusive. Based on the available evidence, the clinical significance of this variant remains unclear.

Labcorp Genetics (formerly Invitae), Labcorp
Classification: Uncertain significance for EGFR-related lung cancer. Last evaluated: 2022-07-19. Review status: criteria provided, single submitter. Criteria: Invitae Variant Classification Sherloc (09022015). Collection method: clinical testing. Allele origin: germline.
Comment: In summary, the available evidence is currently insufficient to determine the role of this variant in disease. Therefore, it has been classified as a Variant of Uncertain Significance. Algorithms developed to predict the effect of sequence changes on RNA splicing suggest that this variant may create or strengthen a splice site. Algorithms developed to predict the effect of missense changes on protein structure and function are either unavailable or do not agree on the potential impact of this missense change (SIFT: "Tolerated"; PolyPhen-2: "Probably Damaging"; Align-GVGD: "Class C0"). This variant has not been reported in the literature in individuals affected with EGFR-related conditions. This variant is not present in population databases (gnomAD no frequency). This sequence change replaces histidine, which is basic and polar, with glutamine, which is neutral and polar, at codon 850 of the EGFR protein (p.His850Gln).

NM_005228.5(EGFR):c.2550T>G (p.His850Gln)

Gene: EGFR (epidermal growth factor receptor; plus strand). Cytogenetic location: 7p11.2.
Variant type: single nucleotide variant.
Coding change: c.2550T>G on transcript NM_005228.5 (MANE Select); coding-DNA position 2550, T replaced by G.
Protein change: p.His850Gln; replaces histidine 850 with glutamine.
Molecular consequence: missense variant.
Genome position (GRCh38, 1-based): chr7:55,191,799, T>G. VCF-style: chr7-55191799-T-G. GRCh37 (hg19) VCF-style: chr7-55259492-T-G.
Other names: c.2415T>G, p.His805Gln (NM_001346897.2, NM_001346899.2); c.2550T>G, p.His850Gln (NM_001346898.2); c.2391T>G, p.His797Gln (NM_001346900.2); c.1749T>G, p.His583Gln (NM_001346941.2); short protein forms H797Q, H583Q, H805Q, H850Q.
Identifiers: ClinVar variation 2085061 (VCV002085061.5), dbSNP rs1787408230, ClinGen allele CA367580226.
Genomic context (GRCh38, chr7:55,191,799, plus strand): 5'-CCGTCGCTTGGTGCACCGCGACCTGGCAGCCAGGAACGTACTGGTGAAAACACCGCAGCA[T>G]GTCAAGATCACAGATTTTGGGCTGGCCAAACTGCTGGGTGCGGAAGAGAAAGAATACCAT-3'
Protein context (NP_005219.2, residues 840-860): ARNVLVKTPQ[His850Gln]VKITDFGLAK